The following is an entry in ClinVar:

NM_004260.4(RECQL4):c.3533G>A (p.Gly1178Glu)

Gene: RECQL4 (RecQ like helicase 4; minus strand). Cytogenetic location: 8q24.3.
Variant type: single nucleotide variant.
Coding change: c.3533G>A on transcript NM_004260.4 (MANE Select); coding-DNA position 3533, G replaced by A.
Protein change: p.Gly1178Glu; replaces glycine 1178 with glutamic acid.
Molecular consequence: missense variant.
Genome position (GRCh38, 1-based): chr8:144,511,525, C>T on the plus strand (G>A on the coding strand, the complement: RECQL4 is on the minus strand). VCF-style: chr8-144511525-C-T. GRCh37 (hg19) VCF-style: chr8-145736908-C-T.
Other names: short protein forms G1178E.
Identifiers: ClinVar variation 859707 (VCV000859707.8), dbSNP rs1827189895, ClinGen allele CA372666033.

ClinVar aggregate classification (germline): Uncertain significance. Review status: criteria provided, multiple submitters, no conflicts (2 of 4 stars). 2 submissions from 2 submitters: Uncertain significance (2). Last evaluated 2026-01-17.

Conditions:
Baller-Gerold syndrome (BGS). Also called: CRANIOSYNOSTOSIS WITH RADIAL DEFECTS. Identifiers: Orphanet 1225, MedGen C0265308, MONDO:0009039, OMIM 218600.
Inborn genetic diseases. Identifiers: MedGen C0950123, MeSH D030342.

Allele frequency attached by ClinVar (database versions not stated): TOPMed below 0.00001; gnomAD 0.00001.
gnomAD v4.1: 4 of 1,612,458 alleles (0.00025%); highest among the groups gnomAD compares: South Asian, 0.0011%; no homozygotes.

Submissions (2):

Labcorp Genetics (formerly Invitae), Labcorp
Classification: Uncertain significance for Baller-Gerold syndrome. Last evaluated: 2026-01-17. Review status: criteria provided, single submitter. Criteria: Invitae Variant Classification Sherloc (09022015). Collection method: clinical testing. Allele origin: germline.
Comment: This sequence change replaces glycine, which is neutral and non-polar, with glutamic acid, which is acidic and polar, at codon 1178 of the RECQL4 protein (p.Gly1178Glu). This variant is not present in population databases (gnomAD no frequency). This variant has not been reported in the literature in individuals affected with RECQL4-related conditions. ClinVar contains an entry for this variant (Variation ID: 859707). Invitae Evidence Modeling of protein sequence and biophysical properties (such as structural, functional, and spatial information, amino acid conservation, physicochemical variation, residue mobility, and thermodynamic stability) indicates that this missense variant is expected to disrupt RECQL4 protein function with a positive predictive value of 80%. In summary, the available evidence is currently insufficient to determine the role of this variant in disease. Therefore, it has been classified as a Variant of Uncertain Significance.

Ambry Genetics
Classification: Uncertain significance for Inborn genetic diseases. Last evaluated: 2024-11-22. Review status: criteria provided, single submitter. Criteria: Ambry Variant Classification Scheme 2023. Collection method: clinical testing. Allele origin: germline.
Comment: The p.G1178E variant (also known as c.3533G>A), located in coding exon 21 of the RECQL4 gene, results from a G to A substitution at nucleotide position 3533. The glycine at codon 1178 is replaced by glutamic acid, an amino acid with similar properties. This amino acid position is conserved. In addition, the in silico prediction for this alteration is inconclusive. Based on the available evidence, the clinical significance of this variant remains unclear.